The following is an entry in ClinVar:

ClinVar aggregate classification (germline): Uncertain significance (1 of 4 stars; one submission).

Conditions:
Inborn genetic diseases. Identifiers: MedGen C0950123, MeSH D030342.

Submission:

Ambry Genetics
Classification: Uncertain significance for Inborn genetic diseases. Last evaluated: 2025-03-19. Review status: criteria provided, single submitter. Criteria: Ambry Variant Classification Scheme 2023. Collection method: clinical testing. Allele origin: germline.
Comment: The p.V809L variant (also known as c.2425G>C), located in coding exon 20 of the DNMT3A gene, results from a G to C substitution at nucleotide position 2425. The valine at codon 809 is replaced by leucine, an amino acid with highly similar properties. This amino acid position is conserved. In addition, this alteration is predicted to be tolerated by in silico analysis. Based on the available evidence, the clinical significance of this variant remains unclear.

NM_022552.5(DNMT3A):c.2425G>C (p.Val809Leu)

Gene: DNMT3A (DNA methyltransferase 3 alpha; minus strand). Cytogenetic location: 2p23.3.
Variant type: single nucleotide variant.
Coding change: c.2425G>C on transcript NM_022552.5 (MANE Select); coding-DNA position 2425, G replaced by C.
Protein change: p.Val809Leu; replaces valine 809 with leucine.
Molecular consequence: missense variant. On other transcripts: non-coding transcript variant (1).
Genome position (GRCh38, 1-based): chr2:25,236,989, C>G on the plus strand (G>C on the coding strand, the complement: DNMT3A is on the minus strand). VCF-style: chr2-25236989-C-G. GRCh37 (hg19) VCF-style: chr2-25459858-C-G.
Other names: c.1969G>C, p.Val657Leu (NM_001320893.1); c.1756G>C, p.Val586Leu (NM_001375819.1); c.1858G>C, p.Val620Leu (NM_153759.3); c.2425G>C, p.Val809Leu (NM_175629.2); short protein forms V657L, V809L, V586L, V620L.
Identifiers: ClinVar variation 4013887 (VCV004013887.1).
Genomic context (GRCh38, chr2:25,236,989, plus strand): 5'-AGCTGACCTTGGCTATCCTGCCATGCTCCAGACACTCCTGCAGCTCCAGCTTATCATTCA[C>G]AGTGGATGCCAACGGCCTAGGAGGCAGAAGAGAGACTGTAACAACAGAAACCTGGATAAC-3'
Protein context (NP_072046.2, residues 799-819): PGMNRPLAST[Val809Leu]NDKLELQECL